The following is an entry in ClinVar:

ClinVar aggregate classification (germline): Uncertain significance. Review status: criteria provided, multiple submitters, no conflicts (2 of 4 stars). 2 submissions from 2 submitters: Uncertain significance (2). Last evaluated 2022-10-24.

Conditions:
Inborn genetic diseases. Identifiers: MedGen C0950123, MeSH D030342.
Microcephaly-intellectual disability-sensorineural hearing loss-epilepsy-abnormal muscle tone syndrome (NEDHSB). Also called: NEURODEVELOPMENTAL DISORDER WITH HEARING LOSS, SEIZURES, AND BRAIN ABNORMALITIES. Identifiers: Orphanet 457351, MedGen C4225276, MONDO:0014698, OMIM 616577.

Submissions (2):

Labcorp Genetics (formerly Invitae), Labcorp
Classification: Uncertain significance for Microcephaly-intellectual disability-sensorineural hearing loss-epilepsy-abnormal muscle tone syndrome. Last evaluated: 2022-10-24. Review status: criteria provided, single submitter. Criteria: Invitae Variant Classification Sherloc (09022015). Collection method: clinical testing. Allele origin: germline.
Comment: This sequence change replaces serine, which is neutral and polar, with tyrosine, which is neutral and polar, at codon 34 of the SPATA5 protein (p.Ser34Tyr). This variant is not present in population databases (gnomAD no frequency). This variant has not been reported in the literature in individuals affected with SPATA5-related conditions. Advanced modeling of protein sequence and biophysical properties (such as structural, functional, and spatial information, amino acid conservation, physicochemical variation, residue mobility, and thermodynamic stability) performed at Invitae indicates that this missense variant is not expected to disrupt SPATA5 protein function. In summary, the available evidence is currently insufficient to determine the role of this variant in disease. Therefore, it has been classified as a Variant of Uncertain Significance.

Ambry Genetics
Classification: Uncertain significance for Inborn genetic diseases. Last evaluated: 2022-10-05. Review status: criteria provided, single submitter. Criteria: Ambry Variant Classification Scheme 2023. Collection method: clinical testing. Allele origin: germline.

NM_145207.3(AFG2A):c.101C>A (p.Ser34Tyr)

Gene: AFG2A (AFG2 AAA ATPase homolog A; plus strand). Cytogenetic location: 4q28.1.
Variant type: single nucleotide variant.
Coding change: c.101C>A on transcript NM_145207.3 (MANE Select); coding-DNA position 101, C replaced by A.
Protein change: p.Ser34Tyr; replaces serine 34 with tyrosine.
Molecular consequence: missense variant.
Genome position (GRCh38, 1-based): chr4:122,923,243, C>A. VCF-style: chr4-122923243-C-A. GRCh37 (hg19) VCF-style: chr4-123844398-C-A.
Other names: c.101C>A, p.Ser34Tyr (NM_001317799.2, NM_001345856.2); c.101C>A (NM_145207.2); short protein forms S34Y.
Identifiers: ClinVar variation 2189681 (VCV002189681.2), dbSNP rs1175547329, ClinGen allele CA358097241.